The following is an entry in ClinVar:

NM_000488.4(SERPINC1):c.751A>G (p.Ile251Val)

Gene: SERPINC1 (serpin family C member 1; minus strand). Cytogenetic location: 1q25.1.
Variant type: single nucleotide variant.
Coding change: c.751A>G on transcript NM_000488.4 (MANE Select); coding-DNA position 751, A replaced by G.
Protein change: p.Ile251Val; replaces isoleucine 251 with valine.
Molecular consequence: missense variant. On other transcripts: intron variant (1).
Genome position (GRCh38, 1-based): chr1:173,910,765, T>C on the plus strand (A>G on the coding strand, the complement: SERPINC1 is on the minus strand). VCF-style: chr1-173910765-T-C. GRCh37 (hg19) VCF-style: chr1-173879903-T-C.
Other names: c.607A>G, p.Ile203Val (NM_001365052.2); c.751A>G, p.Ile251Val (NM_001386302.1, NM_001386305.1); c.832A>G, p.Ile278Val (NM_001386303.1); c.535A>G, p.Ile179Val (NM_001386306.1); c.741+10A>G (NM_001386304.1); short protein forms I179V, I203V, I251V, I278V.
Identifiers: ClinVar variation 2639567 (VCV002639567.24), dbSNP rs2526576327, ClinGen allele CA343775297.

ClinVar aggregate classification (germline): Uncertain significance (1 of 4 stars; one submission).

Submission:

CeGaT Center for Human Genetics Tuebingen
Classification: Uncertain significance. Last evaluated: 2023-06-01. Review status: criteria provided, single submitter. Criteria: CeGaT Center For Human Genetics Tuebingen Variant Classification Criteria Version 2. Collection method: clinical testing. Allele origin: germline. Affected: yes. Observed: 1 variant allele.
Comment: SERPINC1: PM2